The following is an entry in ClinVar:

ClinVar aggregate classification (germline): Uncertain significance. Review status: criteria provided, multiple submitters, no conflicts (2 of 4 stars). 3 submissions from 3 submitters: Uncertain significance (3). Last evaluated 2025-04-24.

Conditions:
Gorlin syndrome. Also called: Nevoid Basal Cell Carcinoma Syndrome; Basal cell nevus syndrome. Identifiers: Orphanet 377, MedGen C0004779, MONDO:0007187.
Hereditary cancer-predisposing syndrome. Also called: Neoplastic Syndromes, Hereditary; Hereditary neoplastic syndrome; Tumor predisposition; Hereditary Cancer Syndrome. Identifiers: Orphanet 140162, MedGen C0027672, MeSH D009386, MONDO:0015356.

Submissions (3):

Dasa
Classification: Uncertain significance. Last evaluated: 2025-04-24. Review status: criteria provided, single submitter. Criteria: DASA Assertion Criteria. Collection method: clinical testing. Allele origin: germline.
Comment: NM_000264.5(PTCH1):c.2950A>T (p.Thr984Ser) is a missense variant that results in the substitution of threonine with serine. This variant is absent from population databases. The currently available literature and clinical evidence are not sufficient to establish a definitive association between this variant and the reported condition. Therefore, this variant is classified as a variant of uncertain significance.

Ambry Genetics
Classification: Uncertain significance for Hereditary cancer-predisposing syndrome. Last evaluated: 2024-03-22. Review status: criteria provided, single submitter. Criteria: Ambry Variant Classification Scheme 2023. Collection method: clinical testing. Allele origin: germline.
Comment: The p.T984S variant (also known as c.2950A>T), located in coding exon 18 of the PTCH1 gene, results from an A to T substitution at nucleotide position 2950. The threonine at codon 984 is replaced by serine, an amino acid with similar properties. This amino acid position is conserved. In addition, the in silico prediction for this alteration is inconclusive. Based on the available evidence, the clinical significance of this alteration remains unclear.

Labcorp Genetics (formerly Invitae), Labcorp
Classification: Uncertain significance for Gorlin syndrome. Last evaluated: 2021-08-28. Review status: criteria provided, single submitter. Criteria: Invitae Variant Classification Sherloc (09022015). Collection method: clinical testing. Allele origin: germline.
Comment: In summary, the available evidence is currently insufficient to determine the role of this variant in disease. Therefore, it has been classified as a Variant of Uncertain Significance. Algorithms developed to predict the effect of missense changes on protein structure and function are either unavailable or do not agree on the potential impact of this missense change (SIFT: "Tolerated"; PolyPhen-2: "Probably Damaging"; Align-GVGD: "Class C0"). This variant has not been reported in the literature in individuals with PTCH1-related conditions. This variant is not present in population databases (ExAC no frequency). This sequence change replaces threonine with serine at codon 984 of the PTCH1 protein (p.Thr984Ser). The threonine residue is highly conserved and there is a small physicochemical difference between threonine and serine.

NM_000264.5(PTCH1):c.2950A>T (p.Thr984Ser)

Gene: PTCH1 (patched 1; minus strand). Cytogenetic location: 9q22.32.
Variant type: single nucleotide variant.
Coding change: c.2950A>T on transcript NM_000264.5 (MANE Select); coding-DNA position 2950, A replaced by T.
Protein change: p.Thr984Ser; replaces threonine 984 with serine.
Molecular consequence: missense variant. On other transcripts: non-coding transcript variant (1).
Genome position (GRCh38, 1-based): chr9:95,458,231, T>A on the plus strand (A>T on the coding strand, the complement: PTCH1 is on the minus strand). VCF-style: chr9-95458231-T-A. GRCh37 (hg19) VCF-style: chr9-98220513-T-A.
Other names: c.2752A>T, p.Thr918Ser (NM_001083602.3); c.2947A>T, p.Thr983Ser (NM_001083603.3); c.2497A>T, p.Thr833Ser (NM_001083604.3, NM_001083605.3, NM_001083606.3 and 1 more transcripts); c.2794A>T, p.Thr932Ser (NM_001354918.2); short protein forms T833S, T932S, T983S, T984S, T918S.
Identifiers: ClinVar variation 851225 (VCV000851225.13), dbSNP rs1839130173, ClinGen allele CA374112719.